The following is an entry in ClinVar:

ClinVar aggregate classification (germline): Uncertain significance (1 of 4 stars; one submission).

Submission:

Labcorp Genetics (formerly Invitae), Labcorp
Classification: Uncertain significance. Last evaluated: 2023-11-24. Review status: criteria provided, single submitter. Criteria: Invitae Variant Classification Sherloc (09022015). Collection method: clinical testing. Allele origin: germline.
Comment: This sequence change creates a premature translational stop signal (p.Cys482*) in the DTHD1 gene. It is expected to result in an absent or disrupted protein product. However, the current clinical and genetic evidence is not sufficient to establish whether loss-of-function variants in DTHD1 cause disease. This variant is not present in population databases (gnomAD no frequency). This variant has not been reported in the literature in individuals affected with DTHD1-related conditions. In summary, the available evidence is currently insufficient to determine the role of this variant in disease. Therefore, it has been classified as a Variant of Uncertain Significance.

NM_001170700.3(DTHD1):c.2316C>A (p.Cys772Ter)

Gene: DTHD1 (death domain containing 1; plus strand). Cytogenetic location: 4p14.
Variant type: single nucleotide variant.
Coding change: c.2316C>A on transcript NM_001170700.3 (MANE Select); coding-DNA position 2316, C replaced by A.
Protein change: p.Cys772Ter; replaces cysteine 772 with a stop codon.
Molecular consequence: nonsense. On other transcripts: non-coding transcript variant (2).
Genome position (GRCh38, 1-based): chr4:36,316,462, C>A. VCF-style: chr4-36316462-C-A. GRCh37 (hg19) VCF-style: chr4-36318084-C-A.
Other names: c.1446C>A, p.Cys482Ter (NM_001136536.5); c.1383C>A, p.Cys461Ter (NM_001378435.1); short protein forms C772*, C461*, C482*.
Identifiers: ClinVar variation 2698468 (VCV002698468.3), dbSNP rs1757742568, ClinGen allele CA356681795.